The following is an entry in ClinVar:

NM_000090.4(COL3A1):c.187G>A (p.Asp63Asn)

Gene: COL3A1 (collagen type III alpha 1 chain; plus strand). Cytogenetic location: 2q32.2.
Variant type: single nucleotide variant.
Coding change: c.187G>A on transcript NM_000090.4 (MANE Select); coding-DNA position 187, G replaced by A.
Protein change: p.Asp63Asn; replaces aspartic acid 63 with asparagine.
Molecular consequence: missense variant.
Genome position (GRCh38, 1-based): chr2:188,984,867, G>A. VCF-style: chr2-188984867-G-A. GRCh37 (hg19) VCF-style: chr2-189849593-G-A.
Other names: p.Asp63Asn; c.187G>A (NM_000090.3); short protein forms D63N.
Identifiers: ClinVar variation 1498850 (VCV001498850.11), dbSNP rs1688031625, ClinGen allele CA349847138.

ClinVar aggregate classification (germline): Uncertain significance. Review status: criteria provided, multiple submitters, no conflicts (2 of 4 stars). 4 submissions from 4 submitters: Uncertain significance (4). Last evaluated 2025-12-06.

Conditions:
Familial thoracic aortic aneurysm and aortic dissection (TAAD). Also called: Thoracic aortic aneurysms and dissections. Identifiers: Orphanet 91387, MedGen C4707243, MONDO:0019625.
Ehlers-Danlos syndrome, type 4 (EDSVASC). Also called: Ehlers-Danlos syndrome vascular type; Ehlers Danlos syndrome, ecchymotic type; Ehlers Danlos syndrome, arterial type; Ehlers Danlos syndrome, Sack-Barabas type; Ehlers-Danlos Syndrome Type IV. Identifiers: Orphanet 286, MedGen C0268338, MONDO:0017314, OMIM 130050.

Allele frequency attached by ClinVar (database versions not stated): gnomAD exomes below 0.00001; TOPMed below 0.00001.
gnomAD v4.1: 3 of 1,613,184 alleles (0.00019%); highest among the groups gnomAD compares: Non-Finnish European, 0.00025%; no homozygotes.

Submissions (4):

Mayo Clinic Laboratories, Mayo Clinic
Classification: Uncertain significance. Last evaluated: 2025-12-06. Review status: criteria provided, single submitter. Criteria: ACMG Guidelines, 2015. Collection method: clinical testing. Allele origin: germline. Observed: 1 variant allele.
Comment: PM2_supporting

Labcorp Genetics (formerly Invitae), Labcorp
Classification: Uncertain significance for Ehlers-Danlos syndrome, type 4. Last evaluated: 2025-01-20. Review status: criteria provided, single submitter. Criteria: Invitae Variant Classification Sherloc (09022015). Collection method: clinical testing. Allele origin: germline.
Comment: This sequence change replaces aspartic acid, which is acidic and polar, with asparagine, which is neutral and polar, at codon 63 of the COL3A1 protein (p.Asp63Asn). This variant is not present in population databases (gnomAD no frequency). This variant has not been reported in the literature in individuals affected with COL3A1-related conditions. ClinVar contains an entry for this variant (Variation ID: 1498850). Invitae Evidence Modeling of protein sequence and biophysical properties (such as structural, functional, and spatial information, amino acid conservation, physicochemical variation, residue mobility, and thermodynamic stability) indicates that this missense variant is not expected to disrupt COL3A1 protein function with a negative predictive value of 95%. In summary, the available evidence is currently insufficient to determine the role of this variant in disease. Therefore, it has been classified as a Variant of Uncertain Significance.

Color Diagnostics, LLC DBA Color Health
Classification: Uncertain significance for Familial thoracic aortic aneurysm and aortic dissection. Last evaluated: 2024-05-31. Review status: criteria provided, single submitter. Criteria: ACMG Guidelines, 2015. Collection method: clinical testing. Allele origin: germline.
Comment: This missense variant replaces aspartic acid with asparagine at codon 63 of the COL3A1 protein. Computational prediction tools indicate that this variant has a neutral impact on protein structure and function. To our knowledge, functional studies have not been reported for this variant. This variant has not been reported in individuals affected with COL3A1-related disorders in the literature. This variant has not been identified in the general population by the Genome Aggregation Database (gnomAD). The available evidence is insufficient to determine the role of this variant in disease conclusively. Therefore, this variant is classified as a Variant of Uncertain Significance.

All of Us Research Program, National Institutes of Health
Classification: Uncertain significance for Ehlers-Danlos syndrome, type 4. Last evaluated: 2023-10-06. Review status: criteria provided, single submitter. Criteria: ACMG Guidelines, 2015. Collection method: clinical testing. Allele origin: germline. Inheritance: Autosomal dominant inheritance. Observed: 2 variant alleles, 2 heterozygotes.
Comment: This missense variant replaces aspartic acid with asparagine at codon 63 of the COL3A1 protein. Computational prediction suggests that this variant may not impact protein structure and function (internally defined REVEL score threshold <= 0.5, PMID: 27666373). To our knowledge, functional studies have not been reported for this variant. This variant has not been reported in individuals affected with COL3A1-related disorders in the literature. This variant has not been identified in the general population by the Genome Aggregation Database (gnomAD). The available evidence is insufficient to determine the role of this variant in disease conclusively. Therefore, this variant is classified as a Variant of Uncertain Significance.

This study involves interpretation of variants in research participants for the purpose of population health screening. Participant phenotype was not available at the time of variant classification. Additional details can be found in publication PMID: 35346344, PMCID: PMC8962531